The following is an entry in ClinVar:

NM_000523.4(HOXD13):c.183_191del (p.Ala69_Ala71del)

Gene: HOXD13 (homeobox D13; plus strand). Cytogenetic location: 2q31.1.
Variant type: Deletion.
Coding change: c.183_191del on transcript NM_000523.4 (MANE Select); coding-DNA positions 183 to 191, 9 bases deleted (AGCGGCGGC; older notation c.183_191delAGCGGCGGC).
Protein change: p.Ala69_Ala71del.
Molecular consequence: inframe deletion.
Genome position (GRCh38, 1-based): chr2:176,093,073-176,093,081, AGCGGCGGC deleted; deleting any 9 consecutive bases within chr2:176,093,065-176,093,081 gives the same sequence; the c. name uses the placement nearest the transcript's 3' end. VCF-style (leftmost placement, unchanged base first): chr2-176093064-GGCGGCGGCA-G. GRCh37 (hg19) VCF-style: chr2-176957792-GGCGGCGGCA-G.
Identifiers: ClinVar variation 593623 (VCV000593623.38), dbSNP rs749930395, ClinGen allele CA1976518.
Genomic context (GRCh38, chr2:176,093,064, plus strand): 5'-CCAGTGCCGCGGCTTTCTCTCCGCGCCTGTGTTCGCCGGGACGCATTCGGGGCGGGCGGC[GGCGGCGGCA>G]GCGGCGGCTGCGGCGGCGGCGGCGGCAGCCTCCGGCTTTGCGTACCCCGGGACCTCTGAG-3'

ClinVar aggregate classification (germline): Benign/Likely benign. Review status: criteria provided, multiple submitters, no conflicts (2 of 4 stars). 4 submissions from 4 submitters: Benign (3); Likely benign (1). Last evaluated 2026-07-01.

Submissions (4):

CeGaT Center for Human Genetics Tuebingen
Classification: Benign. Last evaluated: 2026-07-01. Review status: criteria provided, single submitter. Criteria: CeGaT Center For Human Genetics Tuebingen Variant Classification Criteria Version 2. Collection method: clinical testing. Allele origin: germline. Affected: yes. Observed: 12 variant alleles.
Comment: HOXD13: BS1, BS2

Labcorp Genetics (formerly Invitae), Labcorp
Classification: Benign. Last evaluated: 2026-01-12. Review status: criteria provided, single submitter. Criteria: Invitae Variant Classification Sherloc (09022015). Collection method: clinical testing. Allele origin: germline.

GeneDx
Classification: Likely benign. Last evaluated: 2020-07-20. Review status: criteria provided, single submitter. Criteria: GeneDx Variant Classification Process June 2021. Collection method: clinical testing. Allele origin: germline. Affected: yes.

Eurofins Ntd Llc (ga)
Classification: Benign. Last evaluated: 2017-08-31. Review status: criteria provided, single submitter. Criteria: EGL Classification Definitions 2015. Collection method: clinical testing. Allele origin: germline. Observed: 1 variant allele, 1 heterozygote.